The following is an entry in ClinVar:

ClinVar aggregate classification (germline): Uncertain significance. Review status: criteria provided, multiple submitters, no conflicts (2 of 4 stars). 2 submissions from 2 submitters: Uncertain significance (2). Last evaluated 2025-07-18.

Conditions:
Progressive familial heart block type IB (PFHB1B). Identifiers: Orphanet 871, MedGen C1970298, MONDO:0011474, OMIM 604559.
Cardiovascular phenotype. Identifiers: MedGen CN230736.

Allele frequency attached by ClinVar (database versions not stated): ExAC 0.00003.
gnomAD v4.1: 18 of 1,614,080 alleles (0.0011%); highest among the groups gnomAD compares: East Asian, 0.0022%; no homozygotes.

Submissions (2):

Labcorp Genetics (formerly Invitae), Labcorp
Classification: Uncertain significance for Progressive familial heart block type IB. Last evaluated: 2025-07-18. Review status: criteria provided, single submitter. Criteria: Invitae Variant Classification Sherloc (09022015). Collection method: clinical testing. Allele origin: germline.
Comment: This sequence change replaces arginine, which is basic and polar, with serine, which is neutral and polar, at codon 964 of the TRPM4 protein (p.Arg964Ser). This variant is present in population databases (rs749078579, gnomAD 0.004%). This variant has not been reported in the literature in individuals affected with TRPM4-related conditions. ClinVar contains an entry for this variant (Variation ID: 2085845). An algorithm developed to predict the effect of missense changes on protein structure and function (PolyPhen-2) suggests that this variant is likely to be disruptive. In summary, the available evidence is currently insufficient to determine the role of this variant in disease. Therefore, it has been classified as a Variant of Uncertain Significance.

Ambry Genetics
Classification: Uncertain significance for Cardiovascular phenotype. Last evaluated: 2024-05-06. Review status: criteria provided, single submitter. Criteria: Ambry Variant Classification Scheme 2023. Collection method: clinical testing. Allele origin: germline.
Comment: The p.R964S variant (also known as c.2890C>A), located in coding exon 19 of the TRPM4 gene, results from a C to A substitution at nucleotide position 2890. The arginine at codon 964 is replaced by serine, an amino acid with dissimilar properties. This amino acid position is highly conserved in available vertebrate species. In addition, the in silico prediction for this alteration is inconclusive. Based on the available evidence, the clinical significance of this variant remains unclear.

NM_017636.4(TRPM4):c.2890C>A (p.Arg964Ser)

Gene: TRPM4 (transient receptor potential cation channel subfamily M member 4; plus strand). Cytogenetic location: 19q13.33.
Variant type: single nucleotide variant.
Coding change: c.2890C>A on transcript NM_017636.4 (MANE Select); coding-DNA position 2890, C replaced by A.
Protein change: p.Arg964Ser; replaces arginine 964 with serine.
Molecular consequence: missense variant.
Genome position (GRCh38, 1-based): chr19:49,200,722, C>A. VCF-style: chr19-49200722-C-A. GRCh37 (hg19) VCF-style: chr19-49703979-C-A.
Other names: c.2455C>A, p.Arg819Ser (NM_001195227.2); c.2545C>A, p.Arg849Ser (NM_001321281.2); c.1282C>A, p.Arg428Ser (NM_001321282.2); c.2368C>A, p.Arg790Ser (NM_001321283.2); c.1828C>A, p.Arg610Ser (NM_001321285.2); c.2890C>A (NM_017636.3); short protein forms R790S, R428S, R964S, R610S, R819S, R849S.
Identifiers: ClinVar variation 2085845 (VCV002085845.5), dbSNP rs749078579, ClinGen allele CA9569702.
Genomic context (GRCh38, chr19:49,200,722, plus strand): 5'-TATGGCGTGGCCACGGAGGGGCTCCTGAGGCCACGGGACAGTGACTTCCCAAGTATCCTG[C>A]GCCGCGTCTTCTACCGTCCCTACCTGCAGATCTTCGGGCAGATTCCCCAGGAGGACATGG-3'
Protein context (NP_060106.2, residues 954-974): PRDSDFPSIL[Arg964Ser]RVFYRPYLQI